The following is an entry in ClinVar:

ClinVar aggregate classification (germline): Uncertain significance (1 of 4 stars; one submission).

Conditions:
Hereditary cancer-predisposing syndrome. Also called: Hereditary Cancer Syndrome; Hereditary neoplastic syndrome; Neoplastic Syndromes, Hereditary; Tumor predisposition. Identifiers: Orphanet 140162, MedGen C0027672, MeSH D009386, MONDO:0015356.

Submission:

Ambry Genetics
Classification: Uncertain significance for Hereditary cancer-predisposing syndrome. Last evaluated: 2022-09-08. Review status: criteria provided, single submitter. Criteria: Ambry Variant Classification Scheme 2023. Collection method: clinical testing. Allele origin: germline.
Comment: The p.Q186H variant (also known as c.558G>T), located in coding exon 6 of the PMS2 gene, results from a G to T substitution at nucleotide position 558. The glutamine at codon 186 is replaced by histidine, an amino acid with highly similar properties. This amino acid position is not well conserved in available vertebrate species. In addition, this alteration is predicted to be tolerated by in silico analysis. Since supporting evidence is limited at this time, the clinical significance of this alteration remains unclear.

NM_000535.7(PMS2):c.558G>T (p.Gln186His)

Gene: PMS2 (PMS1 homolog 2, mismatch repair system component; minus strand). Cytogenetic location: 7p22.1.
Variant type: single nucleotide variant.
Coding change: c.558G>T on transcript NM_000535.7 (MANE Select); coding-DNA position 558, G replaced by T.
Protein change: p.Gln186His; replaces glutamine 186 with histidine.
Molecular consequence: missense variant. On other transcripts: non-coding transcript variant (1), intron variant (3).
Genome position (GRCh38, 1-based): chr7:5,999,255, C>A on the plus strand (G>T on the coding strand, the complement: PMS2 is on the minus strand). VCF-style: chr7-5999255-C-A. GRCh37 (hg19) VCF-style: chr7-6038886-C-A.
Other names: c.558G>T, p.Gln186His (NM_001406873.1, NM_001406912.1, NM_001322006.2 and 5 more transcripts); c.249G>T, p.Gln83His (NM_001406875.1, NM_001406877.1, NM_001406878.1 and 6 more transcripts); c.240G>T, p.Gln80His (NM_001406876.1, NM_001406883.1, NM_001406901.1 and 4 more transcripts); c.153G>T, p.Gln51His (NM_001406887.1, NM_001406888.1, NM_001406889.1 and 22 more transcripts); c.133-1832G>T (NM_001322013.2); c.-347-29G>T (NM_001322012.2, NM_001322011.2); c.744G>T, p.Gln248His (NM_001406866.1); c.582G>T, p.Gln194His (NM_001406868.1); short protein forms Q248H, Q51H, Q194H, Q83H, Q186H, Q80H.
Identifiers: ClinVar variation 1748487 (VCV001748487.2), dbSNP rs769411134, ClinGen allele CA153242023.